The following is an entry in ClinVar:

ClinVar aggregate classification (germline): Benign/Likely benign. Review status: criteria provided, multiple submitters, no conflicts (2 of 4 stars). 7 submissions from 7 submitters: Benign (3); Likely benign (3). 1 of the submissions does not count toward it. Last evaluated 2026-08-01.

Conditions:
Nicolaides-Baraitser syndrome (NCBRS). Also called: Intellectual disability-sparse hair-brachydactyly syndrome; SMARCA2-Related Nicolaides-Baraitser Syndrome. Identifiers: Orphanet 3051, MedGen C1303073, MONDO:0011053, OMIM 601358.
Inborn genetic diseases. Identifiers: MedGen C0950123, MeSH D030342.
SMARCA2-related disorder. Also called: SMARCA2-related condition.

Allele frequency attached by ClinVar (database versions not stated): gnomAD 0.00019 and 0.00035; TOPMed 0.00019; ESP Exome Variant Server 0.00023; gnomAD exomes 0.00084; ExAC 0.00088; 1000 Genomes Project 30x 0.00094; 1000 Genomes Project 0.00100.
gnomAD v4.1: 836 of 1,614,098 alleles (0.052%); highest among the groups gnomAD compares: South Asian, 0.53%; 6 homozygotes.

Submissions (7):

CeGaT Center for Human Genetics Tuebingen
Classification: Likely benign. Last evaluated: 2026-08-01. Review status: criteria provided, single submitter. Criteria: CeGaT Center For Human Genetics Tuebingen Variant Classification Criteria Version 2. Collection method: clinical testing. Allele origin: germline. Affected: yes. Observed: 3 variant alleles.
Comment: SMARCA2: PP2, BS1

Labcorp Genetics (formerly Invitae), Labcorp
Classification: Benign. Last evaluated: 2025-11-11. Review status: criteria provided, single submitter. Criteria: Invitae Variant Classification Sherloc (09022015). Collection method: clinical testing. Allele origin: germline.

Blueprint Genetics
Classification: Likely benign. Last evaluated: 2024-10-23. Review status: criteria provided, single submitter. Criteria: ACMG Guidelines, 2015. Collection method: clinical testing. Allele origin: germline.

GeneDx
Classification: Benign. Last evaluated: 2020-03-11. Review status: criteria provided, single submitter. Criteria: GeneDx Variant Classification Process June 2021. Collection method: clinical testing. Allele origin: germline. Affected: yes.

Ambry Genetics
Classification: Likely benign for Inborn genetic diseases. Last evaluated: 2018-09-29. Review status: criteria provided, single submitter. Criteria: Ambry Variant Classification Scheme 2023. Collection method: clinical testing. Allele origin: germline.

Illumina Laboratory Services, Illumina
Classification: Benign for Nicolaides-Baraitser syndrome. Last evaluated: 2018-01-13. Review status: criteria provided, single submitter. Criteria: ICSL Variant Classification Criteria 13 December 2019. Collection method: clinical testing. Allele origin: germline.
Comment: This variant was observed in the ICSL laboratory as part of a predisposition screen in an ostensibly healthy population. It had not been previously curated by ICSL or reported in the Human Gene Mutation Database (HGMD: prior to June 1st, 2018), and was therefore a candidate for classification through an automated scoring system. Utilizing variant allele frequency, disease prevalence and penetrance estimates, and inheritance mode, an automated score was calculated to assess if this variant is too frequent to cause the disease. Based on the score and internal cut-off values, a variant classified as benign is not then subjected to further curation. The score for this variant resulted in a classification of benign for this disease.

PreventionGenetics, part of Exact Sciences
Classification: Benign for SMARCA2-related condition. Last evaluated: 2019-06-21. Review status: no assertion criteria provided. Collection method: clinical testing. Allele origin: germline. Not counted in ClinVar's aggregate classification.
Comment: This variant is classified as benign based on ACMG/AMP sequence variant interpretation guidelines (Richards et al. 2015 PMID: 25741868, with internal and published modifications).

NM_003070.5(SMARCA2):c.4207G>A (p.Val1403Met)

Gene: SMARCA2 (SWI/SNF related BAF chromatin remodeling complex subunit ATPase 2; plus strand). Cytogenetic location: 9p24.3.
Variant type: single nucleotide variant.
Coding change: c.4207G>A on transcript NM_003070.5 (MANE Select); coding-DNA position 4207, G replaced by A.
Protein change: p.Val1403Met; replaces valine 1403 with methionine.
Molecular consequence: missense variant. On other transcripts: intron variant (5).
Genome position (GRCh38, 1-based): chr9:2,170,426, G>A. VCF-style: chr9-2170426-G-A. GRCh37 (hg19) VCF-style: chr9-2170426-G-A.
Other names: c.4207G>A, p.Val1403Met (NM_001289396.2); c.4199+8523G>A (NM_139045.4); c.4025+8523G>A (NM_001289397.2); c.227+8523G>A (NM_001289398.2); c.317+8523G>A (NM_001289400.2); c.311+8523G>A (NM_001289399.2); short protein forms V1403M.
Identifiers: ClinVar variation 366232 (VCV000366232.43), dbSNP rs143797398, ClinGen allele CA4964060.